The following is an entry in ClinVar:

NM_020964.3(EPG5):c.4654G>A (p.Ala1552Thr)

Gene: EPG5 (ectopic P-granules 5 autophagy tethering factor; minus strand). Cytogenetic location: 18q12.3.
Variant type: single nucleotide variant.
Coding change: c.4654G>A on transcript NM_020964.3 (MANE Select); coding-DNA position 4654, G replaced by A.
Protein change: p.Ala1552Thr; replaces alanine 1552 with threonine.
Molecular consequence: missense variant.
Genome position (GRCh38, 1-based): chr18:45,899,559, C>T on the plus strand (G>A on the coding strand, the complement: EPG5 is on the minus strand). VCF-style: chr18-45899559-C-T. GRCh37 (hg19) VCF-style: chr18-43479524-C-T.
Other names: short protein forms A1552T.
Identifiers: ClinVar variation 1014293 (VCV001014293.9), dbSNP rs372801548, ClinGen allele CA8948778.

ClinVar aggregate classification (germline): Uncertain significance (1 of 4 stars; one submission).

Conditions:
Vici syndrome (VICIS). Identifiers: Orphanet 1493, MedGen C1855772, MONDO:0009452, OMIM 242840.

Allele frequency attached by ClinVar (database versions not stated): ExAC 0.00001; gnomAD 0.00001; TOPMed 0.00001; ESP Exome Variant Server 0.00008.
gnomAD v4.1: 2 of 1,613,846 alleles (0.00012%); highest among the groups gnomAD compares: Non-Finnish European, 0.00017%; no homozygotes.

Submission:

Labcorp Genetics (formerly Invitae), Labcorp
Classification: Uncertain significance for Vici syndrome. Last evaluated: 2020-08-20. Review status: criteria provided, single submitter. Criteria: Invitae Variant Classification Sherloc (09022015). Collection method: clinical testing. Allele origin: germline.
Comment: This sequence change replaces alanine with threonine at codon 1552 of the EPG5 protein (p.Ala1552Thr). The alanine residue is moderately conserved and there is a small physicochemical difference between alanine and threonine. This variant is present in population databases (rs372801548, ExAC 0.002%). This variant has not been reported in the literature in individuals with EPG5-related conditions. Algorithms developed to predict the effect of missense changes on protein structure and function output the following: SIFT: "Tolerated"; PolyPhen-2: "Benign"; Align-GVGD: "Class C0". The threonine amino acid residue is found in multiple mammalian species, suggesting that this missense change does not adversely affect protein function. These predictions have not been confirmed by published functional studies and their clinical significance is uncertain. In summary, the available evidence is currently insufficient to determine the role of this variant in disease. Therefore, it has been classified as a Variant of Uncertain Significance.